The following is an entry in ClinVar:

ClinVar aggregate classification (germline): Benign/Likely benign. Review status: criteria provided, multiple submitters, no conflicts (2 of 4 stars). 3 submissions from 3 submitters: Benign (1); Likely benign (2). Last evaluated 2026-07-04.

Conditions:
Hereditary cancer-predisposing syndrome. Also called: Tumor predisposition; Hereditary neoplastic syndrome; Neoplastic Syndromes, Hereditary; Hereditary Cancer Syndrome. Identifiers: Orphanet 140162, MedGen C0027672, MeSH D009386, MONDO:0015356.
Tuberous sclerosis 2 (TSC2). Identifiers: Orphanet 805, MedGen C1860707, MONDO:0013199, OMIM 613254.

Allele frequency attached by ClinVar (database versions not stated): gnomAD exomes below 0.00001; ExAC 0.00001.
gnomAD v4.1: 1 of 1,612,614 alleles (0.000062%); highest among the groups gnomAD compares: East Asian, 0.0022%; no homozygotes.

Submissions (3):

Ambry Genetics
Classification: Likely benign for Hereditary cancer-predisposing syndrome. Last evaluated: 2026-07-04. Review status: criteria provided, single submitter. Criteria: Ambry Variant Classification Scheme 2023. Collection method: clinical testing. Allele origin: germline.

Myriad Genetics, Inc.
Classification: Benign for Tuberous sclerosis 2. Last evaluated: 2025-05-20. Review status: criteria provided, single submitter. Criteria: Myriad Autosomal Dominant, Autosomal Recessive and X-Linked Classification Criteria (2023). Collection method: clinical testing. Allele origin: unknown.
Comment: This variant is considered benign. This variant is a silent/synonymous amino acid change and it is not expected to impact splicing.

Labcorp Genetics (formerly Invitae), Labcorp
Classification: Likely benign for Tuberous sclerosis 2. Last evaluated: 2021-08-25. Review status: criteria provided, single submitter. Criteria: Invitae Variant Classification Sherloc (09022015). Collection method: clinical testing. Allele origin: germline.

NM_000548.5(TSC2):c.2550G>A (p.Leu850=)

Gene: TSC2 (TSC complex subunit 2; plus strand). Cytogenetic location: 16p13.3.
Variant type: single nucleotide variant.
Coding change: c.2550G>A on transcript NM_000548.5 (MANE Select); coding-DNA position 2550, G replaced by A.
Protein change: p.Leu850=; no amino-acid change (leucine 850 retained).
Molecular consequence: synonymous variant.
Genome position (GRCh38, 1-based): chr16:2,075,803, G>A. VCF-style: chr16-2075803-G-A. GRCh37 (hg19) VCF-style: chr16-2125804-G-A.
Other names: c.2550G>A (NM_000548.3); c.2550G>A, p.Leu850= (NM_001077183.3, NM_001114382.3, NM_001363528.2 and 3 more transcripts); c.2439G>A, p.Leu813= (NM_001318827.2); c.2403G>A, p.Leu801= (NM_001318829.2); c.1950G>A, p.Leu650= (NM_001318831.2); c.2583G>A, p.Leu861= (NM_001318832.2).
Identifiers: ClinVar variation 1669866 (VCV001669866.10), dbSNP rs781100484, ClinGen allele CA039989.